The following is an entry in ClinVar:

NM_015443.4(KANSL1):c.1945C>G (p.His649Asp)

Gene: KANSL1 (KAT8 regulatory NSL complex subunit 1). Cytogenetic location: 17q21.31.
Variant type: single nucleotide variant.
Coding change: c.1945C>G on transcript NM_015443.4 (MANE Select); coding-DNA position 1945, C replaced by G.
Protein change: p.His649Asp; replaces histidine 649 with aspartic acid.
Molecular consequence: missense variant.
Genome position (GRCh38, 1-based): chr17:46,050,608, G>C on the plus strand (C>G on the coding strand, the complement: KANSL1 is on the minus strand). VCF-style: chr17-46050608-G-C. GRCh37 (hg19) VCF-style: chr17-44127974-G-C.
Other names: c.1945C>G, p.His649Asp (NM_001193465.2, NM_001193466.2, NM_001379198.1); short protein forms H649D.
Identifiers: ClinVar variation 1426028 (VCV001426028.9), dbSNP rs759914921, ClinGen allele CA8618678.
Genomic context (GRCh38, chr17:46,050,608, plus strand): 5'-GAACAGGATGAACACAAGAGTCCAACTGGGAAAGACGTTCCAACAGAGGGGCTTCATAGT[G>C]AATTTCGGGAGGCATGGTGTTGATGCTGCCTGAACCACACAGTGCGCAGGAGGGATTCAC-3'
Protein context (NP_056258.1, residues 639-659): GSINTMPPEI[His649Asp]YEAPLLERLS

ClinVar aggregate classification (germline): Conflicting classifications of pathogenicity. Review status: criteria provided, conflicting classifications (1 of 4 stars). 3 submissions from 3 submitters: Uncertain significance (2); Likely benign (1). Last evaluated 2025-11-17.

Conditions:
Koolen-de Vries syndrome (KDVS). Identifiers: Orphanet 96169, MedGen C1864871, MONDO:0012496, OMIM 610443.
Inborn genetic diseases. Identifiers: MedGen C0950123, MeSH D030342.

Allele frequency attached by ClinVar (database versions not stated): TOPMed 0.00001; ExAC 0.00002; gnomAD 0.00003; gnomAD exomes 0.00003.
gnomAD v4.1: 45 of 1,614,042 alleles (0.0028%); highest among the groups gnomAD compares: Middle Eastern, 0.13%; no homozygotes.

Submissions (3):

Labcorp Genetics (formerly Invitae), Labcorp
Classification: Uncertain significance for Koolen-de Vries syndrome. Last evaluated: 2025-11-17. Review status: criteria provided, single submitter. Criteria: Invitae Variant Classification Sherloc (09022015). Collection method: clinical testing. Allele origin: germline.
Comment: This sequence change replaces histidine, which is basic and polar, with aspartic acid, which is acidic and polar, at codon 649 of the KANSL1 protein (p.His649Asp). This variant is present in population databases (rs759914921, gnomAD 0.004%). This variant has not been reported in the literature in individuals affected with KANSL1-related conditions. ClinVar contains an entry for this variant (Variation ID: 1426028). Invitae Evidence Modeling of protein sequence and biophysical properties (such as structural, functional, and spatial information, amino acid conservation, physicochemical variation, residue mobility, and thermodynamic stability) indicates that this missense variant is not expected to disrupt KANSL1 protein function with a negative predictive value of 80%. In summary, the available evidence is currently insufficient to determine the role of this variant in disease. Therefore, it has been classified as a Variant of Uncertain Significance.

Fulgent Genetics
Classification: Uncertain significance for Koolen-de Vries syndrome. Last evaluated: 2021-12-22. Review status: criteria provided, single submitter. Criteria: ACMG Guidelines, 2015. Collection method: clinical testing. Allele origin: unknown.

Ambry Genetics
Classification: Likely benign for Inborn genetic diseases. Last evaluated: 2021-12-03. Review status: criteria provided, single submitter. Criteria: Ambry Variant Classification Scheme 2023. Collection method: clinical testing. Allele origin: germline.